The following is an entry in ClinVar:

NM_001080414.4(CCDC88C):c.5981G>T (p.Arg1994Leu)

Gene: CCDC88C (coiled-coil and HOOK domain protein 88C; minus strand). Cytogenetic location: 14q32.11.
Variant type: single nucleotide variant.
Coding change: c.5981G>T on transcript NM_001080414.4 (MANE Select); coding-DNA position 5981, G replaced by T.
Protein change: p.Arg1994Leu; replaces arginine 1994 with leucine.
Molecular consequence: missense variant.
Genome position (GRCh38, 1-based): chr14:91,272,731, C>A on the plus strand (G>T on the coding strand, the complement: CCDC88C is on the minus strand). VCF-style: chr14-91272731-C-A. GRCh37 (hg19) VCF-style: chr14-91739075-C-A.
Other names: short protein forms R1994L.
Identifiers: ClinVar variation 2662321 (VCV002662321.7), dbSNP rs187949234, ClinGen allele CA7308540.
Genomic context (GRCh38, chr14:91,272,731, plus strand): 5'-GGCTCCGGGGAGGCCGGACTGCTCTTTGAGACGCTCCCTCGACTGCAGTCCTCCAGGGCC[C>A]GGCCGAGGTGGGGAGCCAAATCGGGAGACCGACCTGGGCTCTTGGCCGGAAGCCCCTCAC-3'
Protein context (NP_001073883.2, residues 1984-2004): RSPDLAPHLG[Arg1994Leu]ALEDCSRGSV

ClinVar aggregate classification (germline): Conflicting classifications of pathogenicity. Review status: criteria provided, conflicting classifications (1 of 4 stars). 4 submissions from 4 submitters: Uncertain significance (1); Likely benign (2). 1 of the submissions does not count toward it. Last evaluated 2026-01-25.

Conditions:
CCDC88C-related disorder. Also called: CCDC88C-Related Disorders; CCDC88C-related condition.
Inborn genetic diseases. Identifiers: MedGen C0950123, MeSH D030342.

Allele frequency attached by ClinVar (database versions not stated): 1000 Genomes Project 30x 0.00141; 1000 Genomes Project 0.00120; ESP Exome Variant Server 0.00085.
gnomAD v4.1: 214 of 1,610,252 alleles (0.013%); highest among the groups gnomAD compares: African/African-American, 0.28%; no homozygotes.

Submissions (4):

Labcorp Genetics (formerly Invitae), Labcorp
Classification: Likely benign. Last evaluated: 2026-01-25. Review status: criteria provided, single submitter. Criteria: Invitae Variant Classification Sherloc (09022015). Collection method: clinical testing. Allele origin: germline.

GeneDx
Classification: Uncertain significance. Last evaluated: 2023-05-12. Review status: criteria provided, single submitter. Criteria: GeneDx Variant Classification Process June 2021. Collection method: clinical testing. Allele origin: germline. Affected: yes.
Comment: In silico analysis supports that this missense variant does not alter protein structure/function; Has not been previously published as pathogenic or benign to our knowledge

Ambry Genetics
Classification: Likely benign for Inborn genetic diseases. Last evaluated: 2021-12-03. Review status: criteria provided, single submitter. Criteria: Ambry Variant Classification Scheme 2023. Collection method: clinical testing. Allele origin: germline.

PreventionGenetics, part of Exact Sciences
Classification: Likely benign for CCDC88C-related condition. Last evaluated: 2022-04-23. Review status: no assertion criteria provided. Collection method: clinical testing. Allele origin: germline. Not counted in ClinVar's aggregate classification.
Comment: This variant is classified as likely benign based on ACMG/AMP sequence variant interpretation guidelines (Richards et al. 2015 PMID: 25741868, with internal and published modifications).